The following is an entry in ClinVar:

NM_006618.5(KDM5B):c.2900T>C (p.Val967Ala)

Gene: KDM5B (lysine demethylase 5B; minus strand). Cytogenetic location: 1q32.1.
Variant type: single nucleotide variant.
Coding change: c.2900T>C on transcript NM_006618.5 (MANE Select); coding-DNA position 2900, T replaced by C.
Protein change: p.Val967Ala; replaces valine 967 with alanine.
Molecular consequence: missense variant.
Genome position (GRCh38, 1-based): chr1:202,741,412, A>G on the plus strand (T>C on the coding strand, the complement: KDM5B is on the minus strand). VCF-style: chr1-202741412-A-G. GRCh37 (hg19) VCF-style: chr1-202710540-A-G.
Other names: c.3008T>C, p.Val1003Ala (NM_001314042.2); c.2765T>C, p.Val922Ala (NM_001347591.2); c.2885T>C, p.Val962Ala (NM_001399817.1); short protein forms V1003A, V922A, V962A, V967A.
Identifiers: ClinVar variation 4085206 (VCV004085206.8).

ClinVar aggregate classification (germline): Uncertain significance (1 of 4 stars; one submission).

Submission:

CeGaT Center for Human Genetics Tuebingen
Classification: Uncertain significance. Last evaluated: 2025-06-01. Review status: criteria provided, single submitter. Criteria: CeGaT Center For Human Genetics Tuebingen Variant Classification Criteria Version 2. Collection method: clinical testing. Allele origin: germline. Affected: yes. Observed: 1 variant allele.
Comment: KDM5B: PM2